The following is an entry in ClinVar:

ClinVar aggregate classification (germline): Uncertain significance (1 of 4 stars; one submission).

Submission:

Labcorp Genetics (formerly Invitae), Labcorp
Classification: Uncertain significance. Last evaluated: 2022-09-09. Review status: criteria provided, single submitter. Criteria: Invitae Variant Classification Sherloc (09022015). Collection method: clinical testing. Allele origin: germline.
Comment: Algorithms developed to predict the effect of missense changes on protein structure and function (SIFT, PolyPhen-2, Align-GVGD) all suggest that this variant is likely to be tolerated. This variant has not been reported in the literature in individuals affected with TBCD-related conditions. This variant is not present in population databases (gnomAD no frequency). This sequence change replaces isoleucine, which is neutral and non-polar, with valine, which is neutral and non-polar, at codon 109 of the TBCD protein (p.Ile109Val). In summary, the available evidence is currently insufficient to determine the role of this variant in disease. Therefore, it has been classified as a Variant of Uncertain Significance.

NM_005993.5(TBCD):c.325A>G (p.Ile109Val)

Gene: TBCD (tubulin folding cofactor D). Cytogenetic location: 17q25.3.
Variant type: single nucleotide variant.
Coding change: c.325A>G on transcript NM_005993.5 (MANE Select); coding-DNA position 325, A replaced by G.
Protein change: p.Ile109Val; replaces isoleucine 109 with valine.
Molecular consequence: missense variant.
Genome position (GRCh38, 1-based): chr17:82,764,054, A>G. VCF-style: chr17-82764054-A-G. GRCh37 (hg19) VCF-style: chr17-80721930-A-G.
Other names: c.274A>G, p.Ile92Val (NM_001411101.1); c.325A>G, p.Ile109Val (NM_001411102.1); short protein forms I109V, I92V.
Identifiers: ClinVar variation 1715096 (VCV001715096.5), dbSNP rs2510516557, ClinGen allele CA401626191.